The following is an entry in ClinVar:

NM_000240.4(MAOA):c.235C>G (p.Arg79Gly)

Gene: MAOA (monoamine oxidase A; plus strand). Cytogenetic location: Xp11.3.
Variant type: single nucleotide variant.
Coding change: c.235C>G on transcript NM_000240.4 (MANE Select); coding-DNA position 235, C replaced by G.
Protein change: p.Arg79Gly; replaces arginine 79 with glycine.
Molecular consequence: missense variant. On other transcripts: 5 prime UTR variant (1).
Genome position (GRCh38, 1-based): chrX:43,693,357, C>G. VCF-style: chrX-43693357-C-G. GRCh37 (hg19) VCF-style: chrX-43552604-C-G.
Other names: c.-165C>G (NM_001270458.2); short protein forms R79G.
Identifiers: ClinVar variation 3122623 (VCV003122623.1), dbSNP rs750916164, ClinGen allele CA10390740.

ClinVar aggregate classification (germline): Uncertain significance (1 of 4 stars; one submission).

Conditions:
Inborn genetic diseases. Identifiers: MedGen C0950123, MeSH D030342.

gnomAD v4.1: 2 of 1,208,942 alleles (0.00017%); highest among the groups gnomAD compares: East Asian, 0.0059%; no homozygotes.

Submission:

Ambry Genetics
Classification: Uncertain significance for Inborn genetic diseases. Last evaluated: 2024-01-03. Review status: criteria provided, single submitter. Criteria: Ambry Variant Classification Scheme 2023. Collection method: clinical testing. Allele origin: germline.
Comment: The c.235C>G (p.R79G) alteration is located in exon 3 (coding exon 3) of the MAOA gene. This alteration results from a C to G substitution at nucleotide position 235, causing the arginine (R) at amino acid position 79 to be replaced by a glycine (G). This variant was not reported in population-based cohorts in the Genome Aggregation Database (gnomAD). This amino acid position is highly conserved in available vertebrate species. This alteration is predicted to be deleterious by in silico analysis. Based on insufficient or conflicting evidence, the clinical significance of this alteration remains unclear.